The following is an entry in ClinVar:

ClinVar aggregate classification (germline): Benign/Likely benign. Review status: criteria provided, multiple submitters, no conflicts (2 of 4 stars). 4 submissions from 4 submitters: Benign (1); Likely benign (2). 1 of the submissions does not count toward it. Last evaluated 2026-07-01.

Conditions:
KIF5C-related disorder. Also called: KIF5C-related condition.

Allele frequency attached by ClinVar (database versions not stated): gnomAD exomes 0.00115; ExAC 0.00131; 1000 Genomes Project 0.00379; 1000 Genomes Project 30x 0.00390; gnomAD 0.00409 and 0.00443; ESP Exome Variant Server 0.00414; TOPMed 0.00467.
gnomAD v4.1: 1,331 of 1,613,872 alleles (0.082%); highest among the groups gnomAD compares: African/African-American, 1.5%; 7 homozygotes.

Submissions (4):

CeGaT Center for Human Genetics Tuebingen
Classification: Likely benign. Last evaluated: 2026-07-01. Review status: criteria provided, single submitter. Criteria: CeGaT Center For Human Genetics Tuebingen Variant Classification Criteria Version 2. Collection method: clinical testing. Allele origin: germline. Affected: yes. Observed: 1 variant allele.
Comment: KIF5C: BS1

Blueprint Genetics
Classification: Likely benign. Last evaluated: 2024-10-14. Review status: criteria provided, single submitter. Criteria: ACMG Guidelines, 2015. Collection method: clinical testing. Allele origin: germline.

GeneDx
Classification: Benign. Last evaluated: 2018-09-19. Review status: criteria provided, single submitter. Criteria: GeneDx Variant Classification Process June 2021. Collection method: clinical testing. Allele origin: germline. Affected: yes.

PreventionGenetics, part of Exact Sciences
Classification: Benign for KIF5C-related condition. Last evaluated: 2021-06-30. Review status: no assertion criteria provided. Collection method: clinical testing. Allele origin: germline. Not counted in ClinVar's aggregate classification.
Comment: This variant is classified as benign based on ACMG/AMP sequence variant interpretation guidelines (Richards et al. 2015 PMID: 25741868, with internal and published modifications).

NM_004522.3(KIF5C):c.838C>A (p.Arg280=)

Gene: KIF5C (kinesin family member 5C; plus strand). Cytogenetic location: 2q23.1.
Variant type: single nucleotide variant.
Coding change: c.838C>A on transcript NM_004522.3 (MANE Select); coding-DNA position 838, C replaced by A.
Protein change: p.Arg280=; no amino-acid change (arginine 280 retained).
Molecular consequence: synonymous variant. On other transcripts: non-coding transcript variant (1).
Genome position (GRCh38, 1-based): chr2:148,950,332, C>A. VCF-style: chr2-148950332-C-A. GRCh37 (hg19) VCF-style: chr2-149806846-C-A.
Identifiers: ClinVar variation 1261305 (VCV001261305.6), dbSNP rs114454143, ClinGen allele CA1901332.